The following is an entry in ClinVar:

NM_033380.3(COL4A5):c.3721G>A (p.Gly1241Ser)

Gene: COL4A5 (collagen type IV alpha 5 chain; plus strand). Cytogenetic location: Xq22.3.
Variant type: single nucleotide variant.
Coding change: c.3721G>A on transcript NM_033380.3 (MANE Select); coding-DNA position 3721, G replaced by A.
Protein change: p.Gly1241Ser; replaces glycine 1241 with serine.
Molecular consequence: missense variant.
Genome position (GRCh38, 1-based): chrX:108,668,435, G>A. VCF-style: chrX-108668435-G-A. GRCh37 (hg19) VCF-style: chrX-107911665-G-A.
Other names: c.3721G>A, p.Gly1241Ser (NM_000495.5); short protein forms G1241S.
Identifiers: ClinVar variation 1066996 (VCV001066996.10), dbSNP rs104886255, ClinGen allele CA413848924.
Genomic context (GRCh38, chrX:108,668,435, plus strand): 5'-CCAAAGGGCGAACCAGGCTTTCACGGTTTCCCTGGTGTGCAGGGTCCCCCAGGCCCTCCT[G>A]GTTCTCCGGGTCCAGCTCTGGAAGGACCTAAAGGCAACCCTGGGCCCCAAGGTCCTCCTG-3'
Protein context (NP_203699.1, residues 1231-1251): PGVQGPPGPP[Gly1241Ser]SPGPALEGPK

ClinVar aggregate classification (germline): Likely pathogenic. Review status: criteria provided, multiple submitters, no conflicts (2 of 4 stars). 2 submissions from 2 submitters: Likely pathogenic (2). Last evaluated 2022-11-11.

Conditions:
COL4A5-related disorders.

Submissions (2):

Labcorp Genetics (formerly Invitae), Labcorp
Classification: Likely pathogenic. Last evaluated: 2022-11-11. Review status: criteria provided, single submitter. Criteria: Invitae Variant Classification Sherloc (09022015). Collection method: clinical testing. Allele origin: germline.
Comment: Advanced modeling of protein sequence and biophysical properties (such as structural, functional, and spatial information, amino acid conservation, physicochemical variation, residue mobility, and thermodynamic stability) performed at Invitae indicates that this missense variant is expected to disrupt COL4A5 protein function. This variant disrupts the p.Gly1241 amino acid residue in COL4A5. Other variant(s) that disrupt this residue have been observed in individuals with COL4A5-related conditions (PMID: 7599631, 20378821), which suggests that this may be a clinically significant amino acid residue. In summary, the currently available evidence indicates that the variant is pathogenic, but additional data are needed to prove that conclusively. Therefore, this variant has been classified as Likely Pathogenic. ClinVar contains an entry for this variant (Variation ID: 1066996). This sequence change replaces glycine, which is neutral and non-polar, with serine, which is neutral and polar, at codon 1241 of the COL4A5 protein (p.Gly1241Ser). This variant is not present in population databases (gnomAD no frequency). This missense change has been observed in individual(s) with clinical features of Alport syndrome (Invitae).

Blueprint Genetics
Classification: Likely pathogenic for COL4A5-related disorders. Last evaluated: 2020-12-20. Review status: criteria provided, single submitter. Criteria: ACMG Guidelines, 2015. Collection method: clinical testing. Allele origin: germline. Affected: yes. Observed: 1 variant allele.

Literature cited by the submitters: PubMed 7599631 (cited by Labcorp Genetics (formerly Invitae), Labcorp); PubMed 20378821 (cited by Labcorp Genetics (formerly Invitae), Labcorp).